The following is an entry in ClinVar:

NM_014806.5(RUSC2):c.4514C>T (p.Pro1505Leu)

Gene: RUSC2 (RUN and SH3 domain containing 2; plus strand). Cytogenetic location: 9p13.3.
Variant type: single nucleotide variant.
Coding change: c.4514C>T on transcript NM_014806.5 (MANE Select); coding-DNA position 4514, C replaced by T.
Protein change: p.Pro1505Leu; replaces proline 1505 with leucine.
Molecular consequence: missense variant. On other transcripts: non-coding transcript variant (1).
Genome position (GRCh38, 1-based): chr9:35,561,345, C>T. VCF-style: chr9-35561345-C-T. GRCh37 (hg19) VCF-style: chr9-35561342-C-T.
Other names: c.4514C>T (NM_001135999.1); c.4514C>T, p.Pro1505Leu (NM_001135999.2); c.1880C>T, p.Pro627Leu (NM_001330740.2); short protein forms P627L, P1505L.
Identifiers: ClinVar variation 1409750 (VCV001409750.8), dbSNP rs369480606, ClinGen allele CA5044427.

ClinVar aggregate classification (germline): Uncertain significance. Review status: criteria provided, multiple submitters, no conflicts (2 of 4 stars). 2 submissions from 2 submitters: Uncertain significance (2). Last evaluated 2025-02-24.

Allele frequency attached by ClinVar (database versions not stated): ESP Exome Variant Server 0.00008; gnomAD exomes 0.00011 and 0.00016; ExAC 0.00012; TOPMed 0.00025; gnomAD 0.00032.
gnomAD v4.1: 210 of 1,613,832 alleles (0.013%); highest among the groups gnomAD compares: Admixed American, 0.09%; 1 homozygote.

Submissions (2):

Labcorp Genetics (formerly Invitae), Labcorp
Classification: Uncertain significance. Last evaluated: 2025-02-24. Review status: criteria provided, single submitter. Criteria: Invitae Variant Classification Sherloc (09022015). Collection method: clinical testing. Allele origin: germline.
Comment: This sequence change replaces proline, which is neutral and non-polar, with leucine, which is neutral and non-polar, at codon 1505 of the RUSC2 protein (p.Pro1505Leu). This variant is present in population databases (rs369480606, gnomAD 0.05%). This variant has not been reported in the literature in individuals affected with RUSC2-related conditions. ClinVar contains an entry for this variant (Variation ID: 1409750). Experimental studies and prediction algorithms are not available or were not evaluated, and the functional significance of this variant is currently unknown. In summary, the available evidence is currently insufficient to determine the role of this variant in disease. Therefore, it has been classified as a Variant of Uncertain Significance.

Ambry Genetics
Classification: Uncertain significance. Last evaluated: 2024-10-22. Review status: criteria provided, single submitter. Criteria: Ambry Variant Classification Scheme 2023. Collection method: clinical testing. Allele origin: germline.